The following is an entry in ClinVar:

NM_012330.4(KAT6B):c.5971G>A (p.Ala1991Thr)

Gene: KAT6B (lysine acetyltransferase 6B; plus strand). Cytogenetic location: 10q22.2.
Variant type: single nucleotide variant.
Coding change: c.5971G>A on transcript NM_012330.4 (MANE Select); coding-DNA position 5971, G replaced by A.
Protein change: p.Ala1991Thr; replaces alanine 1991 with threonine.
Molecular consequence: missense variant.
Genome position (GRCh38, 1-based): chr10:75,030,795, G>A. VCF-style: chr10-75030795-G-A. GRCh37 (hg19) VCF-style: chr10-76790553-G-A.
Other names: c.5422G>A, p.Ala1808Thr (NM_001256468.2, NM_001370138.1); c.5095G>A, p.Ala1699Thr (NM_001256469.2, NM_001370139.1, NM_001370140.1 and 2 more transcripts); c.4933G>A, p.Ala1645Thr (NM_001370132.1); c.4282G>A, p.Ala1428Thr (NM_001370133.1); c.3886G>A, p.Ala1296Thr (NM_001370134.1); c.3628G>A, p.Ala1210Thr (NM_001370135.1); c.5971G>A, p.Ala1991Thr (NM_001370136.1, NM_001370137.1); c.4906G>A, p.Ala1636Thr (NM_001370143.1, NM_001370144.1); short protein forms A1645T, A1808T, A1991T, A1210T, A1636T, A1296T, A1428T, A1699T.
Identifiers: ClinVar variation 1376343 (VCV001376343.19), dbSNP rs774281154, ClinGen allele CA5565286.

ClinVar aggregate classification (germline): Uncertain significance. Review status: criteria provided, multiple submitters, no conflicts (2 of 4 stars). 2 submissions from 2 submitters: Uncertain significance (2). Last evaluated 2025-02-01.

Conditions:
Genitopatellar syndrome (GTPTS). Also called: ABSENT PATELLAE, SCROTAL HYPOPLASIA, RENAL ANOMALIES, FACIAL DYSMORPHISM, AND MENTAL RETARDATION; Genitopatellar syndrome (GPS). Identifiers: Orphanet 85201, MedGen C1853566, MONDO:0011640, OMIM 606170.

Allele frequency attached by ClinVar (database versions not stated): gnomAD 0.00001; gnomAD exomes 0.00001 and 0.00002; TOPMed 0.00001; ExAC 0.00002.
gnomAD v4.1: 16 of 1,614,072 alleles (0.00099%); highest among the groups gnomAD compares: Admixed American, 0.0083%; no homozygotes.

Submissions (2):

CeGaT Center for Human Genetics Tuebingen
Classification: Uncertain significance. Last evaluated: 2025-02-01. Review status: criteria provided, single submitter. Criteria: CeGaT Center For Human Genetics Tuebingen Variant Classification Criteria Version 2. Collection method: clinical testing. Allele origin: germline. Affected: yes. Observed: 1 variant allele.
Comment: KAT6B: PP3

Labcorp Genetics (formerly Invitae), Labcorp
Classification: Uncertain significance for Genitopatellar syndrome. Last evaluated: 2024-05-04. Review status: criteria provided, single submitter. Criteria: Invitae Variant Classification Sherloc (09022015). Collection method: clinical testing. Allele origin: germline.
Comment: This sequence change replaces alanine, which is neutral and non-polar, with threonine, which is neutral and polar, at codon 1991 of the KAT6B protein (p.Ala1991Thr). This variant is present in population databases (rs774281154, gnomAD 0.01%). This variant has not been reported in the literature in individuals affected with KAT6B-related conditions. ClinVar contains an entry for this variant (Variation ID: 1376343). An algorithm developed to predict the effect of missense changes on protein structure and function (PolyPhen-2) suggests that this variant is likely to be disruptive. In summary, the available evidence is currently insufficient to determine the role of this variant in disease. Therefore, it has been classified as a Variant of Uncertain Significance.